The following is an entry in ClinVar:

ClinVar aggregate classification (germline): Uncertain significance. Review status: criteria provided, multiple submitters, no conflicts (2 of 4 stars). 2 submissions from 2 submitters: Uncertain significance (2). Last evaluated 2023-09-14.

Conditions:
PORCN-related disorder. Also called: PORCN-related condition.

Allele frequency attached by ClinVar (database versions not stated): gnomAD exomes below 0.00001; TOPMed below 0.00001.
gnomAD v4.1: 5 of 1,202,814 alleles (0.00042%); highest among the groups gnomAD compares: Non-Finnish European, 0.00056%; no homozygotes.

Submissions (2):

PreventionGenetics, part of Exact Sciences
Classification: Uncertain significance for PORCN-related condition. Last evaluated: 2023-09-14. Review status: criteria provided, single submitter. Criteria: ACMG Guidelines, 2015. Collection method: clinical testing. Allele origin: germline.
Comment: The PORCN c.983C>T variant is predicted to result in the amino acid substitution p.Ser328Leu. To our knowledge, this variant has not been reported in the literature or in a large population database, indicating this variant is rare. At this time, the clinical significance of this variant is uncertain due to the absence of conclusive functional and genetic evidence.

Labcorp Genetics (formerly Invitae), Labcorp
Classification: Uncertain significance. Last evaluated: 2022-12-07. Review status: criteria provided, single submitter. Criteria: Invitae Variant Classification Sherloc (09022015). Collection method: clinical testing. Allele origin: germline.
Comment: In summary, the available evidence is currently insufficient to determine the role of this variant in disease. Therefore, it has been classified as a Variant of Uncertain Significance. Advanced modeling of protein sequence and biophysical properties (such as structural, functional, and spatial information, amino acid conservation, physicochemical variation, residue mobility, and thermodynamic stability) performed at Invitae indicates that this missense variant is not expected to disrupt PORCN protein function. This variant has not been reported in the literature in individuals affected with PORCN-related conditions. This variant is not present in population databases (gnomAD no frequency). This sequence change replaces serine, which is neutral and polar, with leucine, which is neutral and non-polar, at codon 328 of the PORCN protein (p.Ser328Leu).

NM_203475.3(PORCN):c.983C>T (p.Ser328Leu)

Gene: PORCN (porcupine O-acyltransferase; plus strand). Cytogenetic location: Xp11.23.
Variant type: single nucleotide variant.
Coding change: c.983C>T on transcript NM_203475.3 (MANE Select); coding-DNA position 983, C replaced by T.
Protein change: p.Ser328Leu; replaces serine 328 with leucine.
Molecular consequence: missense variant.
Genome position (GRCh38, 1-based): chrX:48,515,753, C>T. VCF-style: chrX-48515753-C-T. GRCh37 (hg19) VCF-style: chrX-48374141-C-T.
Other names: c.737C>T, p.Ser246Leu (NM_001282167.2); c.950C>T, p.Ser317Leu (NM_022825.4); c.968C>T, p.Ser323Leu (NM_203473.3); c.965C>T, p.Ser322Leu (NM_203474.1); short protein forms S246L, S317L, S322L, S323L, S328L.
Identifiers: ClinVar variation 2633672 (VCV002633672.4), dbSNP rs2061711476, ClinGen allele CA412848426.
Genomic context (GRCh38, chrX:48,515,753, plus strand): 5'-TATCCCACATCTCTTCCCCTCCAGATGTTTTCAAGAATGCTCTCCGCCTGGGGACCTTCT[C>T]GGCTGTGCTGGTCACCTATGCAGCCAGCGCCCTCCTACATGTGAGCAGGGTGGAGCAGGA-3'
Protein context (NP_982301.1, residues 318-338): FKNALRLGTF[Ser328Leu]AVLVTYAASA